The following is an entry in ClinVar:

ClinVar aggregate classification (germline): Uncertain significance (1 of 4 stars; one submission).

Conditions:
Inborn genetic diseases. Identifiers: MedGen C0950123, MeSH D030342.

gnomAD v4.1: 2 of 1,611,688 alleles (0.00012%); highest among the groups gnomAD compares: Non-Finnish European, 0.00017%; no homozygotes.

Submission:

Ambry Genetics
Classification: Uncertain significance for Inborn genetic diseases. Last evaluated: 2026-05-15. Review status: criteria provided, single submitter. Criteria: Ambry Variant Classification Scheme 2023. Collection method: clinical testing. Allele origin: germline.
Comment: The p.G890R variant (also known as c.2668G>C), located in coding exon 28 of the RTEL1 gene, results from a G to C substitution at nucleotide position 2668. The glycine at codon 890 is replaced by arginine, an amino acid with dissimilar properties. This amino acid position is conserved. In addition, this alteration is predicted to be tolerated by in silico analysis. Based on the available evidence, the clinical significance of this variant remains unclear.

NM_001283009.2(RTEL1):c.2668G>C (p.Gly890Arg)

Genes: RTEL1 (regulator of telomere elongation helicase 1; plus strand), RTEL1-TNFRSF6B (RTEL1-TNFRSF6B readthrough (NMD candidate); plus strand). Cytogenetic location: 20q13.33.
Variant type: single nucleotide variant.
Coding change: c.2668G>C on transcript NM_001283009.2 (MANE Select); coding-DNA position 2668, G replaced by C.
Protein change: p.Gly890Arg; replaces glycine 890 with arginine.
Molecular consequence: missense variant. On other transcripts: non-coding transcript variant (1).
Genome position (GRCh38, 1-based): chr20:63,692,820, G>C. VCF-style: chr20-63692820-G-C. GRCh37 (hg19) VCF-style: chr20-62324173-G-C.
Other names: c.1999G>C, p.Gly667Arg (NM_001283010.1); c.2668G>C, p.Gly890Arg (NM_016434.4); c.2740G>C, p.Gly914Arg (NM_032957.5); short protein forms G667R, G890R, G914R.
Identifiers: ClinVar variation 4863592 (VCV004863592.1).